The following is an entry in ClinVar:

NM_002691.4(POLD1):c.452C>T (p.Pro151Leu)

Gene: POLD1 (DNA polymerase delta 1, catalytic subunit; plus strand). Cytogenetic location: 19q13.33.
Variant type: single nucleotide variant.
Coding change: c.452C>T on transcript NM_002691.4 (MANE Select); coding-DNA position 452, C replaced by T.
Protein change: p.Pro151Leu; replaces proline 151 with leucine.
Molecular consequence: missense variant. On other transcripts: non-coding transcript variant (1).
Genome position (GRCh38, 1-based): chr19:50,401,913, C>T. VCF-style: chr19-50401913-C-T. GRCh37 (hg19) VCF-style: chr19-50905170-C-T.
Other names: c.452C>T, p.Pro151Leu (NM_001256849.1, NM_001308632.1); c.452C>T (NM_002691.2); short protein forms P151L.
Identifiers: ClinVar variation 808629 (VCV000808629.23), dbSNP rs1601198870, ClinGen allele CA406972758.

ClinVar aggregate classification (germline): Uncertain significance. Review status: criteria provided, multiple submitters, no conflicts (2 of 4 stars). 3 submissions from 3 submitters: Uncertain significance (3). Last evaluated 2023-10-30.

Conditions:
Hereditary cancer-predisposing syndrome. Also called: Hereditary Cancer Syndrome; Hereditary neoplastic syndrome; Neoplastic Syndromes, Hereditary; Tumor predisposition. Identifiers: Orphanet 140162, MedGen C0027672, MeSH D009386, MONDO:0015356.
POLD1-related polyposis and colorectal cancer syndrome (CRCS10). Also called: Colorectal cancer, susceptibility to, 10; Colorectal cancer 10; COLORECTAL CANCER, SUSCEPTIBILITY TO, ON CHROMOSOME 19q. Identifiers: Orphanet 220460, MedGen C2675481, MONDO:0012953, OMIM 612591.

Submissions (3):

Labcorp Genetics (formerly Invitae), Labcorp
Classification: Uncertain significance for POLD1-related polyposis and colorectal cancer syndrome. Last evaluated: 2023-10-30. Review status: criteria provided, single submitter. Criteria: Invitae Variant Classification Sherloc (09022015). Collection method: clinical testing. Allele origin: germline.
Comment: This sequence change replaces proline, which is neutral and non-polar, with leucine, which is neutral and non-polar, at codon 151 of the POLD1 protein (p.Pro151Leu). This variant is not present in population databases (gnomAD no frequency). This variant has not been reported in the literature in individuals affected with POLD1-related conditions. ClinVar contains an entry for this variant (Variation ID: 808629). Advanced modeling of protein sequence and biophysical properties (such as structural, functional, and spatial information, amino acid conservation, physicochemical variation, residue mobility, and thermodynamic stability) performed at Invitae indicates that this missense variant is not expected to disrupt POLD1 protein function with a negative predictive value of 80%. In summary, the available evidence is currently insufficient to determine the role of this variant in disease. Therefore, it has been classified as a Variant of Uncertain Significance.

Ambry Genetics
Classification: Uncertain significance for Hereditary cancer-predisposing syndrome. Last evaluated: 2023-09-05. Review status: criteria provided, single submitter. Criteria: Ambry Variant Classification Scheme 2023. Collection method: clinical testing. Allele origin: germline.
Comment: The p.P151L variant (also known as c.452C>T), located in coding exon 3 of the POLD1 gene, results from a C to T substitution at nucleotide position 452. The proline at codon 151 is replaced by leucine, an amino acid with similar properties. This amino acid position is conserved. In addition, this alteration is predicted to be tolerated by in silico analysis. Since supporting evidence is limited at this time, the clinical significance of this alteration remains unclear.

GeneDx
Classification: Uncertain significance. Last evaluated: 2019-05-31. Review status: criteria provided, single submitter. Criteria: GeneDx Variant Classification Process June 2021. Collection method: clinical testing. Allele origin: germline. Affected: yes.
Comment: Not observed in large population cohorts (Lek et al., 2016); Has not been previously published as pathogenic or benign to our knowledge